The following is an entry in ClinVar:

ClinVar aggregate classification (germline): Benign (0 of 4 stars; one submission).

Conditions:
PDXDC1-related disorder. Also called: PDXDC1-related condition.

Allele frequency attached by ClinVar (database versions not stated): 1000 Genomes Project 30x 0.16131; 1000 Genomes Project 0.16234; TOPMed 0.25984; gnomAD 0.27958; ESP Exome Variant Server 0.30637; ExAC 0.31132.
gnomAD v4.1: 585,439 of 1,613,794 alleles (36%); highest among the groups gnomAD compares: Middle Eastern, 42%; 115,870 homozygotes.

Submission:

PreventionGenetics, part of Exact Sciences
Classification: Benign for PDXDC1-related condition. Last evaluated: 2019-10-16. Review status: no assertion criteria provided. Collection method: clinical testing. Allele origin: germline.
Comment: This variant is classified as benign based on ACMG/AMP sequence variant interpretation guidelines (Richards et al. 2015 PMID: 25741868, with internal and published modifications).

NM_015027.4(PDXDC1):c.2175C>T (p.His725=)

Gene: PDXDC1 (pyridoxal dependent decarboxylase domain containing 1). Cytogenetic location: 16p13.11.
Variant type: single nucleotide variant.
Coding change: c.2175C>T on transcript NM_015027.4 (MANE Select); coding-DNA position 2175, C replaced by T.
Protein change: p.His725=; no amino-acid change (histidine 725 retained).
Molecular consequence: synonymous variant. On other transcripts: intron variant (3).
Genome position (GRCh38, 1-based): chr16:15,036,083, C>T. VCF-style: chr16-15036083-C-T. GRCh37 (hg19) VCF-style: chr16-15129940-C-T.
Other names: c.2094C>T, p.His698= (NM_001285444.2); c.2091C>T, p.His697= (NM_001285445.2); c.2130C>T, p.His710= (NM_001285447.1); c.1902C>T, p.His634= (NM_001285448.1); c.2172C>T, p.His724= (NM_001324019.2); c.1399+6027C>T (NM_001285449.2); c.1318+6027C>T (NM_001324021.2); c.1396+6027C>T (NM_001324020.2).
Identifiers: ClinVar variation 3060524 (VCV003060524.2), dbSNP rs3198697, ClinGen allele CA7915646.